The following is an entry in ClinVar:

ClinVar aggregate classification (germline): Likely pathogenic (1 of 4 stars; one submission).

Allele frequency attached by ClinVar (database versions not stated): gnomAD exomes below 0.00001.
gnomAD v4.1: 2 of 1,614,108 alleles (0.00012%); highest among the groups gnomAD compares: Non-Finnish European, 0.00017%; no homozygotes.

Submission:

Labcorp Genetics (formerly Invitae), Labcorp
Classification: Likely pathogenic. Last evaluated: 2022-05-12. Review status: criteria provided, single submitter. Criteria: Invitae Variant Classification Sherloc (09022015). Collection method: clinical testing. Allele origin: germline.
Comment: This missense change has been observed in individual(s) with TGM1-related conditions (Invitae). In at least one individual the data is consistent with being in trans (on the opposite chromosome) from a pathogenic variant. This variant is not present in population databases (gnomAD no frequency). This sequence change replaces tryptophan, which is neutral and slightly polar, with cysteine, which is neutral and slightly polar, at codon 378 of the TGM1 protein (p.Trp378Cys). Advanced modeling of protein sequence and biophysical properties (such as structural, functional, and spatial information, amino acid conservation, physicochemical variation, residue mobility, and thermodynamic stability) performed at Invitae indicates that this missense variant is expected to disrupt TGM1 protein function. In summary, the currently available evidence indicates that the variant is pathogenic, but additional data are needed to prove that conclusively. Therefore, this variant has been classified as Likely Pathogenic.

NM_000359.3(TGM1):c.1134G>T (p.Trp378Cys)

Gene: TGM1 (transglutaminase 1; minus strand). Cytogenetic location: 14q12.
Variant type: single nucleotide variant.
Coding change: c.1134G>T on transcript NM_000359.3 (MANE Select); coding-DNA position 1134, G replaced by T.
Protein change: p.Trp378Cys; replaces tryptophan 378 with cysteine.
Molecular consequence: missense variant.
Genome position (GRCh38, 1-based): chr14:24,259,100, C>A on the plus strand (G>T on the coding strand, the complement: TGM1 is on the minus strand). VCF-style: chr14-24259100-C-A. GRCh37 (hg19) VCF-style: chr14-24728306-C-A.
Other names: short protein forms W378C.
Identifiers: ClinVar variation 2118905 (VCV002118905.4), dbSNP rs2502501558, ClinGen allele CA389263626.